The following is an entry in ClinVar:

NM_020822.3(KCNT1):c.346C>G (p.Arg116Gly)

Gene: KCNT1 (potassium sodium-activated channel subfamily T member 1; plus strand). Cytogenetic location: 9q34.3.
Variant type: single nucleotide variant.
Coding change: c.346C>G on transcript NM_020822.3 (MANE Select); coding-DNA position 346, C replaced by G.
Protein change: p.Arg116Gly; replaces arginine 116 with glycine.
Molecular consequence: missense variant.
Genome position (GRCh38, 1-based): chr9:135,750,953, C>G. VCF-style: chr9-135750953-C-G. GRCh37 (hg19) VCF-style: chr9-138642799-C-G.
Other names: c.202C>G, p.Arg68Gly (NM_001272003.2); short protein forms R116G, R68G.
Identifiers: ClinVar variation 4783331 (VCV004783331.1).

ClinVar aggregate classification (germline): Uncertain significance (1 of 4 stars; one submission).

Conditions:
Autosomal dominant nocturnal frontal lobe epilepsy 5. Also called: CILIARY DYSKINESIA, PRIMARY, 28, WITHOUT SITUS INVERSUS; CILIARY DYSKINESIA, PRIMARY, 28, WITH SITUS INVERSUS; KCNT1-Related Epilepsy; Epilepsy, nocturnal frontal lobe, 5. Identifiers: Orphanet 98784, MedGen C3554306, MONDO:0014002, OMIM 615005.
Developmental and epileptic encephalopathy, 14 (DEE14). Also called: Early infantile epileptic encephalopathy 14. Identifiers: Orphanet 293181, MedGen C3554195, MONDO:0013989, OMIM 614959.

Submission:

Labcorp Genetics (formerly Invitae), Labcorp
Classification: Uncertain significance for Autosomal dominant nocturnal frontal lobe epilepsy 5; Developmental and epileptic encephalopathy, 14. Last evaluated: 2025-04-08. Review status: criteria provided, single submitter. Criteria: Invitae Variant Classification Sherloc (09022015). Collection method: clinical testing. Allele origin: germline.
Comment: This sequence change replaces arginine, which is basic and polar, with glycine, which is neutral and non-polar, at codon 116 of the KCNT1 protein (p.Arg116Gly). This variant is not present in population databases (gnomAD no frequency). This variant has not been reported in the literature in individuals affected with KCNT1-related conditions. Invitae Evidence Modeling of protein sequence and biophysical properties (such as structural, functional, and spatial information, amino acid conservation, physicochemical variation, residue mobility, and thermodynamic stability) has been performed for this missense variant. However, the output from this modeling did not meet the statistical confidence thresholds required to predict the impact of this variant on KCNT1 protein function. In summary, the available evidence is currently insufficient to determine the role of this variant in disease. Therefore, it has been classified as a Variant of Uncertain Significance.